The following is an entry in ClinVar:

ClinVar aggregate classification (germline): Uncertain significance (1 of 4 stars; one submission).

Conditions:
Hereditary cancer-predisposing syndrome. Also called: Neoplastic Syndromes, Hereditary; Tumor predisposition; Hereditary neoplastic syndrome; Hereditary Cancer Syndrome. Identifiers: Orphanet 140162, MedGen C0027672, MeSH D009386, MONDO:0015356.

Submission:

Ambry Genetics
Classification: Uncertain significance for Hereditary cancer-predisposing syndrome. Last evaluated: 2024-04-14. Review status: criteria provided, single submitter. Criteria: Ambry Variant Classification Scheme 2023. Collection method: clinical testing. Allele origin: germline.
Comment: The p.L806P variant (also known as c.2417T>C), located in coding exon 21 of the POLE gene, results from a T to C substitution at nucleotide position 2417. The leucine at codon 806 is replaced by proline, an amino acid with similar properties. This amino acid position is conserved. In addition, this alteration is predicted to be deleterious by in silico analysis. Based on the available evidence, the clinical significance of this variant remains unclear.

NM_006231.4(POLE):c.2417T>C (p.Leu806Pro)

Gene: POLE (DNA polymerase epsilon, catalytic subunit; minus strand). Cytogenetic location: 12q24.33.
Variant type: single nucleotide variant.
Coding change: c.2417T>C on transcript NM_006231.4 (MANE Select); coding-DNA position 2417, T replaced by C.
Protein change: p.Leu806Pro; replaces leucine 806 with proline.
Molecular consequence: missense variant.
Genome position (GRCh38, 1-based): chr12:132,665,353, A>G on the plus strand (T>C on the coding strand, the complement: POLE is on the minus strand). VCF-style: chr12-132665353-A-G. GRCh37 (hg19) VCF-style: chr12-133241939-A-G.
Other names: short protein forms L806P.
Identifiers: ClinVar variation 3308380 (VCV003308380.1).